The following is an entry in ClinVar:

ClinVar aggregate classification (germline): Uncertain significance (1 of 4 stars; one submission).

Submission:

Labcorp Genetics (formerly Invitae), Labcorp
Classification: Uncertain significance. Last evaluated: 2025-12-13. Review status: criteria provided, single submitter. Criteria: Invitae Variant Classification Sherloc (09022015). Collection method: clinical testing. Allele origin: germline.
Comment: This sequence change replaces phenylalanine, which is neutral and non-polar, with cysteine, which is neutral and slightly polar, at codon 1751 of the SCN3A protein (p.Phe1751Cys). This variant is not present in population databases (gnomAD no frequency). This variant has not been reported in the literature in individuals affected with SCN3A-related conditions. Invitae Evidence Modeling of protein sequence and biophysical properties (such as structural, functional, and spatial information, amino acid conservation, physicochemical variation, residue mobility, and thermodynamic stability) indicates that this missense variant is expected to disrupt SCN3A protein function with a positive predictive value of 80%. In summary, the available evidence is currently insufficient to determine the role of this variant in disease. Therefore, it has been classified as a Variant of Uncertain Significance.

NM_006922.4(SCN3A):c.5252T>G (p.Phe1751Cys)

Gene: SCN3A (sodium voltage-gated channel alpha subunit 3; minus strand). Cytogenetic location: 2q24.3.
Variant type: single nucleotide variant.
Coding change: c.5252T>G on transcript NM_006922.4 (MANE Select); coding-DNA position 5252, T replaced by G.
Protein change: p.Phe1751Cys; replaces phenylalanine 1751 with cysteine.
Molecular consequence: missense variant.
Genome position (GRCh38, 1-based): chr2:165,090,901, A>C on the plus strand (T>G on the coding strand, the complement: SCN3A is on the minus strand). VCF-style: chr2-165090901-A-C. GRCh37 (hg19) VCF-style: chr2-165947411-A-C.
Other names: c.5105T>G, p.Phe1702Cys (NM_001081676.2, NM_001081677.2); short protein forms F1702C, F1751C.
Identifiers: ClinVar variation 4745722 (VCV004745722.1).